The following is an entry in ClinVar:

ClinVar aggregate classification (germline): Benign/Likely benign. Review status: criteria provided, multiple submitters, no conflicts (2 of 4 stars). 4 submissions from 4 submitters: Benign (2); Likely benign (1). 1 of the submissions does not count toward it. Last evaluated 2026-01-19.

Conditions:
UCP3-related disorder. Also called: UCP3-related condition.
Obesity. Also called: Obesity disorder. Identifiers: Orphanet 71529, MedGen C0028754, MeSH D009765, MONDO:0011122, HP:0001513.

Allele frequency attached by ClinVar (database versions not stated): gnomAD exomes 0.00017 and 0.00074; gnomAD 0.00031 and 0.00040; TOPMed 0.00044; ExAC 0.00064; 1000 Genomes Project 30x 0.00172; 1000 Genomes Project 0.00200.
gnomAD v4.1: 432 of 1,614,202 alleles (0.027%); highest among the groups gnomAD compares: East Asian, 0.59%; 3 homozygotes.

Submissions (4):

Labcorp Genetics (formerly Invitae), Labcorp
Classification: Benign. Last evaluated: 2026-01-19. Review status: criteria provided, single submitter. Criteria: Invitae Variant Classification Sherloc (09022015). Collection method: clinical testing. Allele origin: germline.

Fulgent Genetics
Classification: Likely benign for Inherited obesity. Last evaluated: 2021-07-22. Review status: criteria provided, single submitter. Criteria: ACMG Guidelines, 2015. Collection method: clinical testing. Allele origin: unknown.

Breakthrough Genomics
Classification: Benign. Review status: criteria provided, single submitter. Criteria: ACMG Guidelines, 2015. Collection method: not provided. Allele origin: germline. Inheritance: Autosomal recessive inheritance. Affected: yes.

PreventionGenetics, part of Exact Sciences
Classification: Benign for UCP3-related condition. Last evaluated: 2021-05-26. Review status: no assertion criteria provided. Collection method: clinical testing. Allele origin: germline. Not counted in ClinVar's aggregate classification.
Comment: This variant is classified as benign based on ACMG/AMP sequence variant interpretation guidelines (Richards et al. 2015 PMID: 25741868, with internal and published modifications).

NM_003356.4(UCP3):c.72C>T (p.Ala24=)

Gene: UCP3 (uncoupling protein 3; minus strand). Cytogenetic location: 11q13.4.
Variant type: single nucleotide variant.
Coding change: c.72C>T on transcript NM_003356.4 (MANE Select); coding-DNA position 72, C replaced by T.
Protein change: p.Ala24=; no amino-acid change (alanine 24 retained).
Molecular consequence: synonymous variant.
Genome position (GRCh38, 1-based): chr11:74,006,971, G>A on the plus strand (C>T on the coding strand, the complement: UCP3 is on the minus strand). VCF-style: chr11-74006971-G-A. GRCh37 (hg19) VCF-style: chr11-73718016-G-A.
Other names: c.72C>T, p.Ala24= (NM_022803.3).
Identifiers: ClinVar variation 773827 (VCV000773827.10), dbSNP rs70965455, ClinGen allele CA6181658.
Genomic context (GRCh38, chr11:74,006,971, plus strand): 5'-ACCTACCTGCAGGCGGACCTTGGCTGTGTCCAGTGGAAAGGTAACGAGGTCAGCAAAACA[G>A]GCTGCTGTGCCTGCCCCCAGGAACTTCACAGCCATGGTGGGAGGCACGTCTGAAGGCTTC-3'
Protein context (NP_003347.1, residues 14-34): AVKFLGAGTA[Ala24=]CFADLVTFPL